The following is an entry in ClinVar:

NM_138927.4(SON):c.3611C>G (p.Ser1204Cys)

Gene: SON (SON DNA and RNA binding protein; plus strand). Cytogenetic location: 21q22.11.
Variant type: single nucleotide variant.
Coding change: c.3611C>G on transcript NM_138927.4 (MANE Select); coding-DNA position 3611, C replaced by G.
Protein change: p.Ser1204Cys; replaces serine 1204 with cysteine.
Molecular consequence: missense variant. On other transcripts: non-coding transcript variant (1), intron variant (1).
Genome position (GRCh38, 1-based): chr21:33,552,842, C>G. VCF-style: chr21-33552842-C-G. GRCh37 (hg19) VCF-style: chr21-34925148-C-G.
Other names: c.3611C>G, p.Ser1204Cys (NM_001291411.2, NM_032195.3); c.245-4314C>G (NM_001291412.3); short protein forms S1204C.
Identifiers: ClinVar variation 3644553 (VCV003644553.2).
Genomic context (GRCh38, chr21:33,552,842, plus strand): 5'-CTGAGCAGTCAGCATTAACAGCTGAAAATACTTGGCCTACAGAGGTGCCATCATCACCAT[C>G]TGAAGAGTCTGTATCGCAGCCTGAGCCTCCTGTGAGTCAAAGTGAGATTTCGGAGCCTTC-3'
Protein context (NP_620305.3, residues 1194-1214): TWPTEVPSSP[Ser1204Cys]EESVSQPEPP

ClinVar aggregate classification (germline): Uncertain significance (1 of 4 stars; one submission).

Submission:

Labcorp Genetics (formerly Invitae), Labcorp
Classification: Uncertain significance. Last evaluated: 2024-11-11. Review status: criteria provided, single submitter. Criteria: Invitae Variant Classification Sherloc (09022015). Collection method: clinical testing. Allele origin: germline.
Comment: This sequence change replaces serine, which is neutral and polar, with cysteine, which is neutral and slightly polar, at codon 1204 of the SON protein (p.Ser1204Cys). This variant is not present in population databases (gnomAD no frequency). This variant has not been reported in the literature in individuals affected with SON-related conditions. An algorithm developed to predict the effect of missense changes on protein structure and function (PolyPhen-2) suggests that this variant is likely to be disruptive. In summary, the available evidence is currently insufficient to determine the role of this variant in disease. Therefore, it has been classified as a Variant of Uncertain Significance.